The following is an entry in ClinVar:

ClinVar aggregate classification (germline): Conflicting classifications of pathogenicity. Review status: criteria provided, conflicting classifications (1 of 4 stars). 2 submissions from 2 submitters: Likely pathogenic (1); Uncertain significance (1). Last evaluated 2025-06-06.

Conditions:
Hereditary cancer-predisposing syndrome. Also called: Tumor predisposition; Hereditary Cancer Syndrome; Neoplastic Syndromes, Hereditary; Hereditary neoplastic syndrome. Identifiers: Orphanet 140162, MedGen C0027672, MeSH D009386, MONDO:0015356.
Chuvash polycythemia. Also called: POLYCYTHEMIA, VHL-DEPENDENT. Identifiers: Orphanet 238557, MedGen C1837915, MONDO:0009892, OMIM 263400.
Von Hippel-Lindau syndrome (VHLS). Also called: VHL syndrome; von Hippel–Lindau syndrome; Von Hippel-Lindau. Identifiers: Orphanet 892, MedGen C0019562, MONDO:0008667, OMIM 193300. Disease mechanism: loss of function.

Submissions (2):

Ambry Genetics
Classification: Likely pathogenic for Hereditary cancer-predisposing syndrome. Last evaluated: 2025-06-06. Review status: criteria provided, single submitter. Criteria: Ambry Variant Classification Scheme 2023. Collection method: clinical testing. Allele origin: germline.
Comment: The c.341-1_342dupGGT variant results from a duplication of 3 nucleotides between positions 341-1 and 342 and involves the canonical splice acceptor site before coding exon 2 of the VHL gene. This variant results in the insertion of 1 amino acid (p.G114dup) which is predicted to be deleterious by in silico analysis (Choi Y et al. PLoS ONE. 2012; 7(10):e46688). This variant was reported in individuals with features consistent with von Hippel-Lindau syndrome (Ong KR et al Hum Mutat 2007 Feb;28(2):143-9; Ambry internal data). Based on the majority of available evidence to date, this variant is likely to be pathogenic.

Labcorp Genetics (formerly Invitae), Labcorp
Classification: Uncertain significance for Von Hippel-Lindau syndrome; Chuvash polycythemia. Last evaluated: 2022-11-22. Review status: criteria provided, single submitter. Criteria: Invitae Variant Classification Sherloc (09022015). Collection method: clinical testing. Allele origin: germline.
Comment: This variant is not present in population databases (gnomAD no frequency). This variant, c.341-1_342dup, results in the insertion of 1 amino acid(s) of the VHL protein (p.Gly114dup), but otherwise preserves the integrity of the reading frame. This variant has been observed in individuals with clinical features of von Hippel-Lindau (VHL) syndrome (PMID: 17024664; Invitae). In summary, the available evidence is currently insufficient to determine the role of this variant in disease. Therefore, it has been classified as a Variant of Uncertain Significance. Algorithms developed to predict the effect of sequence changes on RNA splicing suggest that this variant may disrupt the consensus splice site. Experimental studies and prediction algorithms are not available or were not evaluated, and the functional significance of this variant is currently unknown. ClinVar contains an entry for this variant (Variation ID: 864161). This variant is also known as 555_556dupGGT and c.342_343dupGGT.

Literature cited by the submitters: PubMed 17024664 (cited by Labcorp Genetics (formerly Invitae), Labcorp).

NM_000551.4(VHL):c.341-1_342dup

Genes: VHL (von Hippel-Lindau tumor suppressor; plus strand), LOC107303340 (3p25 von Hippel-Lindau tumor suppressor, E3 ubiquitin protein ligase Alu-mediated recombination region; plus strand). Cytogenetic location: 3p25.3.
Variant type: Duplication.
Coding change: c.341-1_342dup on transcript NM_000551.4 (MANE Select); the canonical splice acceptor site of the intron before coding-DNA position 341 through coding-DNA position 342, 3 bases duplicated (GGT; older notation c.341-1_342dupGGT).
Molecular consequence: splice acceptor variant. On other transcripts: intron variant (2).
Genome position (GRCh38, 1-based): chr3:10,146,513-10,146,515, GGT duplicated. VCF-style (leftmost placement, unchanged base first): chr3-10146512-A-AGGT. GRCh37 (hg19) VCF-style: chr3-10188196-A-AGGT.
Other names: c.*18-3274_*18-3272dup (NM_001354723.2); c.341-3274_341-3272dup (NM_198156.3); c.341-1_342dupGGT (NM_000551.3).
Identifiers: ClinVar variation 864161 (VCV000864161.10), dbSNP rs1696260542, ClinGen allele CA916081420.
Genomic context (GRCh38, chr3:10,146,512, plus strand): 5'-GTGTGGGCCACCGTGCCCAGCCACCGGTGTGGCTCTTTAACAACCTTTGCTTGTCCCGAT[A>AGGT]GGTCACCTTTGGCTCTTCAGAGATGCAGGGACACACGATGGGCTTCTGGTTAACCAAACT-3'